The following is an entry in ClinVar:

ClinVar aggregate classification (germline): Uncertain significance (1 of 4 stars; one submission).

Conditions:
Polyglucosan body myopathy type 1 (PGBM1). Also called: Polyglucosan body myopathy 1 with or without immunodeficiency; POLYGLUCOSAN BODY MYOPATHY WITHOUT IMMUNODEFICIENCY. Identifiers: Orphanet 329173, Orphanet 397937, MedGen C4014605, MONDO:0014389, OMIM 615895.

Submission:

Labcorp Genetics (formerly Invitae), Labcorp
Classification: Uncertain significance for Polyglucosan body myopathy type 1. Last evaluated: 2022-07-12. Review status: criteria provided, single submitter. Criteria: Invitae Variant Classification Sherloc (09022015). Collection method: clinical testing. Allele origin: germline.
Comment: In summary, the available evidence is currently insufficient to determine the role of this variant in disease. Therefore, it has been classified as a Variant of Uncertain Significance. Algorithms developed to predict the effect of sequence changes on RNA splicing suggest that this variant may disrupt the consensus splice site. This variant has not been reported in the literature in individuals affected with RBCK1-related conditions. This variant is present in population databases (no rsID available, gnomAD 0.002%). This variant, c.772_774dup, results in the insertion of 1 amino acid(s) of the RBCK1 protein (p.Gln258dup), but otherwise preserves the integrity of the reading frame.

NM_031229.4(RBCK1):c.763CAG[5] (p.Gln258_Glu259insGln)

Gene: RBCK1 (RANBP2-type and C3HC4-type zinc finger containing 1; plus strand). Cytogenetic location: 20p13.
Variant type: Microsatellite.
Coding change: c.763CAG[5] on transcript NM_031229.4 (MANE Select); five copies in a row of the 3-base unit CAG starting at c.763; the reference has four copies in a row; one copy, 3 bases duplicated.
Protein change: p.Gln258_Glu259insGln.
Molecular consequence: inframe insertion. On other transcripts: inframe indel (1), non-coding transcript variant (1), intron variant (2).
Genome position (GRCh38, 1-based): chr20:420,886-420,888, CAG duplicated; duplicating any 3 consecutive bases within chr20:420,875-420,888 gives the same sequence; the position shown is the placement nearest the transcript's 3' end. VCF-style (leftmost placement, unchanged base first): chr20-420874-A-AAGC. GRCh37 (hg19) VCF-style: chr20-401518-A-AAGC.
Other names: c.814_816CAG[5], p.Gln275_Glu276insGln (NM_001410770.1); c.637CAG[5], p.Gln216_Glu217insGln (NM_006462.6); c.407+1144AGC[5] (NM_001323956.2, NM_001323958.2).
Identifiers: ClinVar variation 1945498 (VCV001945498.5), dbSNP rs770767944, ClinGen allele CA634068060.